The following is an entry in ClinVar:

ClinVar aggregate classification (germline): Likely pathogenic (1 of 4 stars; one submission).

Conditions:
Congenital myasthenic syndrome (CMS). Also called: Congenital Myasthenic Syndromes. Identifiers: Orphanet 590, MedGen C0751882, MeSH D020294, MONDO:0018940.

Submission:

Natera, Inc.
Classification: Likely pathogenic for Congenital myasthenic syndrome. Last evaluated: 2025-06-12. Review status: criteria provided, single submitter. Criteria: Natera Variant Classification Schema (03/2026). Collection method: clinical testing. Allele origin: germline.
Comment: The c.571G>T variant in RAPSN is a nonsense variant predicted to introduce a stop codon at amino acid 191. This variant is expected to result in nonsense mediated decay, truncation, or a dysfunctional protein product. This variant is rare in the general population with a frequency below the threshold expected for the associated phenotype(s). Given the available evidence, this variant is classified as Likely Pathogenic.

NM_005055.5(RAPSN):c.571G>T (p.Glu191Ter)

Gene: RAPSN (receptor associated protein of the synapse; minus strand). Cytogenetic location: 11p11.2.
Variant type: single nucleotide variant.
Coding change: c.571G>T on transcript NM_005055.5 (MANE Select); coding-DNA position 571, G replaced by T.
Protein change: p.Glu191Ter; replaces glutamic acid 191 with a stop codon.
Molecular consequence: nonsense. On other transcripts: intron variant (4).
Genome position (GRCh38, 1-based): chr11:47,442,775, C>A on the plus strand (G>T on the coding strand, the complement: RAPSN is on the minus strand). VCF-style: chr11-47442775-C-A. GRCh37 (hg19) VCF-style: chr11-47464327-C-A.
Other names: c.571G>T, p.Glu191Ter (NM_001440490.1, NM_001440491.1, NM_001440492.1 and 8 more transcripts); c.232G>T, p.Glu78Ter (NM_001440504.1); c.532-854G>T (NM_001440503.1, NM_001440493.1, NM_001440502.1 and 1 more transcripts); short protein forms E191*, E78*.
Identifiers: ClinVar variation 4815407 (VCV004815407.1).